The following is an entry in ClinVar:

NM_001041.4(SI):c.4842-4C>T

Gene: SI (sucrase-isomaltase; minus strand). Cytogenetic location: 3q26.1.
Variant type: single nucleotide variant.
Coding change: c.4842-4C>T on transcript NM_001041.4 (MANE Select); 4 bases into the intron before coding-DNA position 4842, C replaced by T.
Molecular consequence: intron variant.
Genome position (GRCh38, 1-based): chr3:164,992,401, G>A on the plus strand (C>T on the coding strand, the complement: SI is on the minus strand). VCF-style: chr3-164992401-G-A. GRCh37 (hg19) VCF-style: chr3-164710189-G-A.
Other names: p.?.
Identifiers: ClinVar variation 344005 (VCV000344005.15), dbSNP rs78032315, ClinGen allele CA2689765.

ClinVar aggregate classification (germline): Benign. Review status: criteria provided, multiple submitters, no conflicts (2 of 4 stars). 4 submissions from 4 submitters: Benign (4). Last evaluated 2026-02-01.

Conditions:
Sucrase-isomaltase deficiency (CSID). Also called: SI DEFICIENCY; Deficiency of isomaltase; Congenital sucrose isomaltose malabsorption; Sucrose isomaltose enzyme deficiency. Identifiers: Orphanet 35122, MedGen C1283620, MONDO:0009114, OMIM 222900.

Allele frequency attached by ClinVar (database versions not stated): gnomAD exomes 0.00534 and 0.01434; ExAC 0.01821; gnomAD 0.05491 and 0.05892; 1000 Genomes Project 0.05851; 1000 Genomes Project 30x 0.06121; ESP Exome Variant Server 0.06175; TOPMed 0.06343.
gnomAD v4.1: 16,367 of 1,579,886 alleles (1%); highest among the groups gnomAD compares: African/African-American, 19%; 1,439 homozygotes.

Submissions (4):

Labcorp Genetics (formerly Invitae), Labcorp
Classification: Benign. Last evaluated: 2026-02-01. Review status: criteria provided, single submitter. Criteria: Invitae Variant Classification Sherloc (09022015). Collection method: clinical testing. Allele origin: germline.

Mayo Clinic Laboratories, Mayo Clinic
Classification: Benign. Last evaluated: 2024-06-10. Review status: criteria provided, single submitter. Criteria: ACMG Guidelines, 2015. Collection method: clinical testing. Allele origin: germline. Observed: 3 variant alleles.

Illumina Laboratory Services, Illumina
Classification: Benign for Sucrase-isomaltase deficiency. Last evaluated: 2018-01-13. Review status: criteria provided, single submitter. Criteria: ICSL Variant Classification Criteria 13 December 2019. Collection method: clinical testing. Allele origin: germline.
Comment: This variant was observed in the ICSL laboratory as part of a predisposition screen in an ostensibly healthy population. It had not been previously curated by ICSL or reported in the Human Gene Mutation Database (HGMD: prior to June 1st, 2018), and was therefore a candidate for classification through an automated scoring system. Utilizing variant allele frequency, disease prevalence and penetrance estimates, and inheritance mode, an automated score was calculated to assess if this variant is too frequent to cause the disease. Based on the score and internal cut-off values, a variant classified as benign is not then subjected to further curation. The score for this variant resulted in a classification of benign for this disease.

Breakthrough Genomics
Classification: Benign. Review status: criteria provided, single submitter. Criteria: ACMG Guidelines, 2015. Collection method: not provided. Allele origin: germline. Inheritance: Autosomal recessive inheritance. Affected: yes.